The following is an entry in ClinVar:

NM_004946.3(DOCK2):c.843+7G>A

Gene: DOCK2 (dedicator of cytokinesis 2; plus strand). Cytogenetic location: 5q35.1.
Variant type: single nucleotide variant.
Coding change: c.843+7G>A on transcript NM_004946.3 (MANE Select); 7 bases into the intron after coding-DNA position 843, G replaced by A.
Molecular consequence: intron variant.
Genome position (GRCh38, 1-based): chr5:169,689,340, G>A. VCF-style: chr5-169689340-G-A. GRCh37 (hg19) VCF-style: chr5-169116344-G-A.
Other names: p.?; c.843+7G>A (LRG_1227t1).
Identifiers: ClinVar variation 476020 (VCV000476020.15), dbSNP rs72841138, ClinGen allele CA3553267.

ClinVar aggregate classification (germline): Benign. Review status: criteria provided, multiple submitters, no conflicts (2 of 4 stars). 3 submissions from 3 submitters: Benign (3). Last evaluated 2026-02-03.

Conditions:
DOCK2 deficiency. Also called: Immunodeficiency 40. Identifiers: Orphanet 447737, MedGen C4225328, MONDO:0014637, OMIM 616433.

Allele frequency attached by ClinVar (database versions not stated): 1000 Genomes Project 0.03854; gnomAD exomes 0.03898 and 0.04512; 1000 Genomes Project 30x 0.03919; ExAC 0.03974; gnomAD 0.04984; TOPMed 0.05196; ESP Exome Variant Server 0.05644.
gnomAD v4.1: 73,350 of 1,613,588 alleles (4.5%); highest among the groups gnomAD compares: African/African-American, 7%; 1,883 homozygotes.

Submissions (3):

Labcorp Genetics (formerly Invitae), Labcorp
Classification: Benign for DOCK2 deficiency. Last evaluated: 2026-02-03. Review status: criteria provided, single submitter. Criteria: Invitae Variant Classification Sherloc (09022015). Collection method: clinical testing. Allele origin: germline.

Women's Health and Genetics/Laboratory Corporation of America, LabCorp
Classification: Benign. Last evaluated: 2026-01-21. Review status: criteria provided, single submitter. Criteria: LabCorp Variant Classification Summary - May 2015. Collection method: clinical testing. Allele origin: germline.

Mayo Clinic Laboratories, Mayo Clinic
Classification: Benign. Last evaluated: 2025-07-19. Review status: criteria provided, single submitter. Criteria: ACMG Guidelines, 2015. Collection method: clinical testing. Allele origin: germline. Observed: 2 variant alleles.